The following is an entry in ClinVar:

ClinVar aggregate classification (germline): Pathogenic (1 of 4 stars; one submission).

Conditions:
EPILEPSY, CHILDHOOD ABSENCE, SUSCEPTIBILITY TO, 2 (ECA2). Identifiers: Orphanet 64280, MedGen C1843244, OMIM 607681.
Febrile seizures, familial, 8 (FEB8). Also called: CONVULSIONS, FAMILIAL FEBRILE, 8. Identifiers: Orphanet 36387, MedGen C1969810, MONDO:0011891, OMIM 607681.

Submission:

Labcorp Genetics (formerly Invitae), Labcorp
Classification: Pathogenic for Febrile seizures, familial, 8; EPILEPSY, CHILDHOOD ABSENCE, SUSCEPTIBILITY TO, 2. Last evaluated: 2025-01-15. Review status: criteria provided, single submitter. Criteria: Invitae Variant Classification Sherloc (09022015). Collection method: clinical testing. Allele origin: germline.
Comment: This sequence change affects a donor splice site in intron 6 of the GABRG2 gene. It is expected to disrupt RNA splicing. Variants that disrupt the donor or acceptor splice site typically lead to a loss of protein function (PMID: 16199547), and loss-of-function variants in GABRG2 are known to be pathogenic (PMID: 22539854, 22750526, 24407264). This variant is not present in population databases (gnomAD no frequency). Disruption of this splice site has been observed in individual(s) with clinical features of GABRG2-related conditions (PMID: 12117362). It has also been observed to segregate with disease in related individuals. ClinVar contains an entry for this variant (Variation ID: 1066278). Studies have shown that disruption of this splice site alters mRNA splicing and is expected to lead to the loss of protein expression (PMID: 22539854). For these reasons, this variant has been classified as Pathogenic.

Literature cited by the submitters: PubMed 16199547; PubMed 22539854; PubMed 22750526; PubMed 24407264; PubMed 12117362.

NM_198904.4(GABRG2):c.769+1G>A

Gene: GABRG2 (gamma-aminobutyric acid type A receptor subunit gamma2; plus strand). Cytogenetic location: 5q34.
Variant type: single nucleotide variant.
Coding change: c.769+1G>A on transcript NM_198904.4 (MANE Select); the canonical splice donor site of the intron after coding-DNA position 769, G replaced by A.
Molecular consequence: splice donor variant.
Genome position (GRCh38, 1-based): chr5:162,104,027, G>A. VCF-style: chr5-162104027-G-A. GRCh37 (hg19) VCF-style: chr5-161531033-G-A.
Other names: c.484+1G>A (NM_001375349.1); c.889+1G>A (NM_001375343.1, NM_198903.2); c.769+1G>A (NM_001375344.1, NM_001375340.1, NM_001375341.1 and 2 more transcripts); c.349+1G>A (NM_001375350.1, NM_001375348.1); c.760+1G>A (NM_001375339.1); c.703+1G>A (NM_001375346.1, NM_001375345.1); c.682+1G>A (NM_001375347.1).
Identifiers: ClinVar variation 1066278 (VCV001066278.7), dbSNP rs2113371247, ClinGen allele CA362185268.